The following is an entry in ClinVar:

NM_001244008.2(KIF1A):c.2956G>A (p.Val986Met)

Gene: KIF1A (kinesin family member 1A; minus strand). Cytogenetic location: 2q37.3.
Variant type: single nucleotide variant.
Coding change: c.2956G>A on transcript NM_001244008.2 (MANE Select); coding-DNA position 2956, G replaced by A.
Protein change: p.Val986Met; replaces valine 986 with methionine.
Molecular consequence: missense variant.
Genome position (GRCh38, 1-based): chr2:240,750,450, C>T on the plus strand (G>A on the coding strand, the complement: KIF1A is on the minus strand). VCF-style: chr2-240750450-C-T. GRCh37 (hg19) VCF-style: chr2-241689867-C-T.
Other names: c.2680G>A, p.Val894Met (NM_001320705.2, NM_001330289.2, NM_001379638.1); c.2755G>A, p.Val919Met (NM_001330290.2, NM_001379634.1, NM_001379635.1 and 1 more transcripts); c.3031G>A, p.Val1011Met (NM_001379631.1); c.2905G>A, p.Val969Met (NM_001379632.1); c.2929G>A, p.Val977Met (NM_001379633.1, NM_001379642.1, NM_001379645.1); c.2653G>A, p.Val885Met (NM_001379636.1, NM_001379639.1, NM_001379640.1 and 7 more transcripts); c.2728G>A, p.Val910Met (NM_001379637.1, NM_001379648.1); short protein forms V1011M, V885M, V894M, V910M, V919M, V969M, V977M, V986M.
Identifiers: ClinVar variation 2415661 (VCV002415661.8), dbSNP rs2537386733, ClinGen allele CA351319982.

ClinVar aggregate classification (germline): Uncertain significance (1 of 4 stars; one submission).

Conditions:
Neuropathy, hereditary sensory, type 2C. Also called: KIF1A-Related HSAN2 (HSAN2C); Hereditary sensory and autonomic neuropathy type IIC. Identifiers: Orphanet 970, MedGen C3280168, MONDO:0013634, OMIM 614213.
Intellectual disability, autosomal dominant 9 (NESCAVS). Also called: NESCAV SYNDROME; KIF1A-Related Neurodevelopmental Disorder. Identifiers: Orphanet 662367, MedGen C5393830, MONDO:0013656, OMIM 614255.
Hereditary spastic paraplegia 30. Identifiers: Orphanet 101010, MedGen C5235139, MONDO:0012476.

gnomAD v4.1: 2 of 1,613,668 alleles (0.00012%); highest among the groups gnomAD compares: East Asian, 0.0022%; no homozygotes.

Submission:

Labcorp Genetics (formerly Invitae), Labcorp
Classification: Uncertain significance for Hereditary spastic paraplegia 30; Neuropathy, hereditary sensory, type 2C; Intellectual disability, autosomal dominant 9. Last evaluated: 2022-06-09. Review status: criteria provided, single submitter. Criteria: Invitae Variant Classification Sherloc (09022015). Collection method: clinical testing. Allele origin: germline.
Comment: This variant has not been reported in the literature in individuals affected with KIF1A-related conditions. In summary, the available evidence is currently insufficient to determine the role of this variant in disease. Therefore, it has been classified as a Variant of Uncertain Significance. Algorithms developed to predict the effect of missense changes on protein structure and function are either unavailable or do not agree on the potential impact of this missense change (SIFT: "Deleterious"; PolyPhen-2: "Probably Damaging"; Align-GVGD: "Class C0"). This variant is not present in population databases (gnomAD no frequency). This sequence change replaces valine, which is neutral and non-polar, with methionine, which is neutral and non-polar, at codon 885 of the KIF1A protein (p.Val885Met).